The following is an entry in ClinVar:

NM_019109.5(ALG1):c.814C>T (p.Arg272Cys)

Gene: ALG1 (ALG1 chitobiosyldiphosphodolichol beta-mannosyltransferase; plus strand). Cytogenetic location: 16p13.3.
Variant type: single nucleotide variant.
Coding change: c.814C>T on transcript NM_019109.5 (MANE Select); coding-DNA position 814, C replaced by T.
Protein change: p.Arg272Cys; replaces arginine 272 with cysteine.
Molecular consequence: missense variant.
Genome position (GRCh38, 1-based): chr16:5,078,830, C>T. VCF-style: chr16-5078830-C-T. GRCh37 (hg19) VCF-style: chr16-5128831-C-T.
Other names: c.481C>T, p.Arg161Cys (NM_001330504.2); short protein forms R272C, R161C.
Identifiers: ClinVar variation 1515462 (VCV001515462.7), dbSNP rs774593969, ClinGen allele CA7890027.

ClinVar aggregate classification (germline): Uncertain significance. Review status: criteria provided, multiple submitters, no conflicts (2 of 4 stars). 4 submissions from 4 submitters: Uncertain significance (4). Last evaluated 2025-08-20.

Conditions:
ALG1-congenital disorder of glycosylation. Also called: CDG Ik; CONGENITAL DISORDER OF GLYCOSYLATION, TYPE Ik; ALG1-CDG. Identifiers: Orphanet 79327, MedGen C2931005, MONDO:0012052, OMIM 608540.
Inborn genetic diseases. Identifiers: MedGen C0950123, MeSH D030342.

Allele frequency attached by ClinVar (database versions not stated): gnomAD 0.00003 and 0.00004; TOPMed 0.00004.

Submissions (4):

Ambry Genetics
Classification: Uncertain significance for Inborn genetic diseases. Last evaluated: 2025-08-20. Review status: criteria provided, single submitter. Criteria: Ambry Variant Classification Scheme 2023. Collection method: clinical testing. Allele origin: germline.

Labcorp Genetics (formerly Invitae), Labcorp
Classification: Uncertain significance for ALG1-congenital disorder of glycosylation. Last evaluated: 2022-08-22. Review status: criteria provided, single submitter. Criteria: Invitae Variant Classification Sherloc (09022015). Collection method: clinical testing. Allele origin: germline.
Comment: This sequence change replaces arginine, which is basic and polar, with cysteine, which is neutral and slightly polar, at codon 272 of the ALG1 protein (p.Arg272Cys). This variant is present in population databases (rs774593969, gnomAD 0.02%). This variant has not been reported in the literature in individuals affected with ALG1-related conditions. ClinVar contains an entry for this variant (Variation ID: 1515462). Advanced modeling of protein sequence and biophysical properties (such as structural, functional, and spatial information, amino acid conservation, physicochemical variation, residue mobility, and thermodynamic stability) performed at Invitae indicates that this missense variant is not expected to disrupt ALG1 protein function. In summary, the available evidence is currently insufficient to determine the role of this variant in disease. Therefore, it has been classified as a Variant of Uncertain Significance.

Fulgent Genetics
Classification: Uncertain significance for ALG1-congenital disorder of glycosylation. Last evaluated: 2022-05-29. Review status: criteria provided, single submitter. Criteria: ACMG Guidelines, 2015. Collection method: clinical testing. Allele origin: unknown.

Women's Health and Genetics/Laboratory Corporation of America, LabCorp
Classification: Uncertain significance. Last evaluated: 2022-05-11. Review status: criteria provided, single submitter. Criteria: LabCorp Variant Classification Summary - May 2015. Collection method: clinical testing. Allele origin: germline.
Comment: Variant summary: ALG1 c.814C>T (p.Arg272Cys) results in a non-conservative amino acid change in the encoded protein sequence. Four of five in-silico tools predict a benign effect of the variant on protein function. The variant allele was found at a frequency of 7.2e-05 in 249534 control chromosomes. This frequency is not significantly higher than expected for a pathogenic variant in ALG1 causing Congenital Disorder Of Glycosylation Type 1K (7.2e-05 vs 0.0011), allowing no conclusion about variant significance. To our knowledge, no occurrence of c.814C>T in individuals affected with Congenital Disorder Of Glycosylation Type 1K and no experimental evidence demonstrating its impact on protein function have been reported. One clinical diagnostic laboratory has submitted clinical-significance assessments for this variant to ClinVar after 2014 without evidence for independent evaluation. One laboratory classified the variant as uncertain significance. Based on the evidence outlined above, the variant was classified as uncertain significance.